The following is an entry in ClinVar:

NM_003632.3(CNTNAP1):c.2060-1G>A

Gene: CNTNAP1 (contactin associated protein 1; plus strand). Cytogenetic location: 17q21.2.
Variant type: single nucleotide variant.
Coding change: c.2060-1G>A on transcript NM_003632.3 (MANE Select); the canonical splice acceptor site of the intron before coding-DNA position 2060, G replaced by A.
Molecular consequence: splice acceptor variant.
Genome position (GRCh38, 1-based): chr17:42,691,136, G>A. VCF-style: chr17-42691136-G-A. GRCh37 (hg19) VCF-style: chr17-40843154-G-A.
Identifiers: ClinVar variation 3765742 (VCV003765742.1).
Genomic context (GRCh38, chr17:42,691,136, plus strand): 5'-AGAGGAGCCCAGAGGCTAATGGAGGGACAGGGCCTGGAAGCTGCCTGCACCTCTTCCCCA[G>A]GAGGCTACCCCTACAGCTTTTGGATTGGCCGAAATGAGGAGCAGCACTTCTACTGGGGAG-3'

ClinVar aggregate classification (germline): Likely pathogenic (1 of 4 stars; one submission).

Conditions:
CNTNAP1-related disorder. Also called: CNTNAP1-related disease; CNTNAP1-related condition.

Submission:

Greenwood Genetic Center Diagnostic Laboratories, Greenwood Genetic Center
Classification: Likely pathogenic for CNTNAP1-related disorder. Last evaluated: 2024-11-01. Review status: criteria provided, single submitter. Criteria: ACMG Guidelines, 2015. Collection method: clinical testing. Allele origin: germline. Affected: yes.
Comment: PVS1, PM2, PM6